The following is an entry in ClinVar:

ClinVar aggregate classification (germline): Likely benign. Review status: criteria provided, multiple submitters, no conflicts (2 of 4 stars). 4 submissions from 4 submitters: Likely benign (3). 1 of the submissions does not count toward it. Last evaluated 2025-04-04.

Conditions:
BBS9-related disorder. Also called: BBS9-related condition.
Bardet-Biedl syndrome (BBS). Identifiers: Orphanet 110, MedGen C0752166, MONDO:0015229.

Allele frequency attached by ClinVar (database versions not stated): gnomAD exomes below 0.00001.
gnomAD v4.1: 2 of 1,614,136 alleles (0.00012%); highest among the groups gnomAD compares: Middle Eastern, 0.016%; no homozygotes.

Submissions (4):

Labcorp Genetics (formerly Invitae), Labcorp
Classification: Likely benign for Bardet-Biedl syndrome. Last evaluated: 2025-04-04. Review status: criteria provided, single submitter. Criteria: Invitae Variant Classification Sherloc (09022015). Collection method: clinical testing. Allele origin: germline.

Blueprint Genetics
Classification: Likely benign. Last evaluated: 2021-08-24. Review status: criteria provided, single submitter. Criteria: ACMG Guidelines, 2015. Collection method: clinical testing. Allele origin: germline.

Genetic Services Laboratory, University of Chicago
Classification: Likely benign. Last evaluated: 2016-10-11. Review status: criteria provided, single submitter. Criteria: ACMG Guidelines, 2015. Collection method: clinical testing. Allele origin: germline. Affected: no.

PreventionGenetics, part of Exact Sciences
Classification: Likely benign for BBS9-related condition. Last evaluated: 2019-07-11. Review status: no assertion criteria provided. Collection method: clinical testing. Allele origin: germline. Not counted in ClinVar's aggregate classification.
Comment: This variant is classified as likely benign based on ACMG/AMP sequence variant interpretation guidelines (Richards et al. 2015 PMID: 25741868, with internal and published modifications).

NM_198428.3(BBS9):c.2499C>T (p.Ala833=)

Gene: BBS9 (Bardet-Biedl syndrome 9; plus strand). Cytogenetic location: 7p14.3.
Variant type: single nucleotide variant.
Coding change: c.2499C>T on transcript NM_198428.3 (MANE Select); coding-DNA position 2499, C replaced by T.
Protein change: p.Ala833=; no amino-acid change (alanine 833 retained).
Molecular consequence: synonymous variant. On other transcripts: non-coding transcript variant (3).
Genome position (GRCh38, 1-based): chr7:33,534,154, C>T. VCF-style: chr7-33534154-C-T. GRCh37 (hg19) VCF-style: chr7-33573766-C-T.
Other names: c.2394C>T, p.Ala798= (NM_001033604.2); c.2484C>T, p.Ala828= (NM_001033605.2); c.2499C>T, p.Ala833= (NM_001348036.1, NM_001348041.4, NM_001348043.3 and 1 more transcripts); c.1950C>T, p.Ala650= (NM_001348037.3); c.2226C>T, p.Ala742= (NM_001348038.3); c.2121C>T, p.Ala707= (NM_001348039.3); c.2379C>T, p.Ala793= (NM_001348040.3, NM_014451.4); c.2364C>T, p.Ala788= (NM_001348042.3); and 2 more.
Identifiers: ClinVar variation 434501 (VCV000434501.16), dbSNP rs1163398668, ClinGen allele CA454459850.
Genomic context (GRCh38, chr7:33,534,154, plus strand): 5'-CTTGCTCTGCGATAGATTATCCAAAGGTGGCCGTCTCTGCCTAAGTACCGATGCAGCAGC[C>T]CCACAGACCATGGTCATGCCAGGTAAGAGCTCTGTCCATGCTCCCTAATCACAATTGTAC-3'
Protein context (NP_940820.1, residues 823-843): GRLCLSTDAA[Ala833=]PQTMVMPGGC